The following is an entry in ClinVar:

ClinVar aggregate classification (germline): Uncertain significance (1 of 4 stars; one submission).

Conditions:
Inborn genetic diseases. Identifiers: MedGen C0950123, MeSH D030342.

Allele frequency attached by ClinVar (database versions not stated): gnomAD exomes below 0.00001.
gnomAD v4.1: 2 of 1,614,140 alleles (0.00012%); highest among the groups gnomAD compares: South Asian, 0.0011%; no homozygotes.

Submission:

Ambry Genetics
Classification: Uncertain significance for Inborn genetic diseases. Last evaluated: 2022-06-30. Review status: criteria provided, single submitter. Criteria: Ambry Variant Classification Scheme 2023. Collection method: clinical testing. Allele origin: germline.
Comment: The c.3077T>C (p.V1026A) alteration is located in exon 23 (coding exon 22) of the CNOT1 gene. This alteration results from a T to C substitution at nucleotide position 3077, causing the valine (V) at amino acid position 1026 to be replaced by an alanine (A). This variant was not reported in population-based cohorts in the Genome Aggregation Database (gnomAD). This amino acid position is not well conserved in available vertebrate species. This missense alteration is located in a region that has a low rate of benign missense variation (Lek, 2016; Firth, 2009). This alteration is predicted to be tolerated by in silico analysis. Based on insufficient or conflicting evidence, the clinical significance of this alteration remains unclear.

NM_016284.5(CNOT1):c.3077T>C (p.Val1026Ala)

Gene: CNOT1 (CCR4-NOT transcription complex subunit 1; minus strand). Cytogenetic location: 16q21.
Variant type: single nucleotide variant.
Coding change: c.3077T>C on transcript NM_016284.5 (MANE Select); coding-DNA position 3077, T replaced by C.
Protein change: p.Val1026Ala; replaces valine 1026 with alanine.
Molecular consequence: missense variant. On other transcripts: non-coding transcript variant (1).
Genome position (GRCh38, 1-based): chr16:58,551,713, A>G on the plus strand (T>C on the coding strand, the complement: CNOT1 is on the minus strand). VCF-style: chr16-58551713-A-G. GRCh37 (hg19) VCF-style: chr16-58585617-A-G.
Other names: c.3062T>C, p.Val1021Ala (NM_001265612.2); c.3077T>C, p.Val1026Ala (NM_206999.3); short protein forms V1021A, V1026A.
Identifiers: ClinVar variation 2290523 (VCV002290523.2), dbSNP rs2543937520, ClinGen allele CA396172900.
Genomic context (GRCh38, chr16:58,551,713, plus strand): 5'-GTAGTTGTTGAGGTGGTTACCATAGTGCTAACTTGACCAGCAAGAGGAGCTTTTGCTGGA[A>G]CCTGGGCCTGAGCCTGGGCCTGAGCCAGTGCAATACTTCCAGGGGTTGTGATAGAGCCTT-3'
Protein context (NP_057368.3, residues 1016-1036): ALAQAQAQAQ[Val1026Ala]PAKAPLAGQV